The following is an entry in ClinVar:

ClinVar aggregate classification (germline): Uncertain significance (1 of 4 stars; one submission).

Allele frequency attached by ClinVar (database versions not stated): gnomAD exomes 0.00001 and 0.00003; TOPMed 0.00001; gnomAD 0.00002.

Submission:

Labcorp Genetics (formerly Invitae), Labcorp
Classification: Uncertain significance. Last evaluated: 2021-12-03. Review status: criteria provided, single submitter. Criteria: Invitae Variant Classification Sherloc (09022015). Collection method: clinical testing. Allele origin: germline.
Comment: In summary, the available evidence is currently insufficient to determine the role of this variant in disease. Therefore, it has been classified as a Variant of Uncertain Significance. Algorithms developed to predict the effect of missense changes on protein structure and function are either unavailable or do not agree on the potential impact of this missense change (SIFT: "Not Available"; PolyPhen-2: "Probably Damaging"; Align-GVGD: "Not Available"). This variant has not been reported in the literature in individuals affected with SERPINF1-related conditions. This variant is present in population databases (no rsID available, gnomAD 0.002%). This sequence change replaces arginine, which is basic and polar, with tryptophan, which is neutral and slightly polar, at codon 141 of the SERPINF1 protein (p.Arg141Trp).

NM_002615.7(SERPINF1):c.421C>T (p.Arg141Trp)

Gene: SERPINF1 (serpin family F member 1; plus strand). Cytogenetic location: 17p13.3.
Variant type: single nucleotide variant.
Coding change: c.421C>T on transcript NM_002615.7 (MANE Select); coding-DNA position 421, C replaced by T.
Protein change: p.Arg141Trp; replaces arginine 141 with tryptophan.
Molecular consequence: missense variant. On other transcripts: 5 prime UTR variant (1).
Genome position (GRCh38, 1-based): chr17:1,771,166, C>T. VCF-style: chr17-1771166-C-T. GRCh37 (hg19) VCF-style: chr17-1674460-C-T.
Other names: c.421C>T, p.Arg141Trp (NM_001329903.2); c.-141C>T (NM_001329904.2); short protein forms R141W.
Identifiers: ClinVar variation 1384411 (VCV001384411.6), dbSNP rs1298568050, ClinGen allele CA397584708.